The following is an entry in ClinVar:

NM_000061.3(BTK):c.707G>A (p.Arg236Gln)

Gene: BTK (Bruton tyrosine kinase; minus strand). Cytogenetic location: Xq22.1.
Variant type: single nucleotide variant.
Coding change: c.707G>A on transcript NM_000061.3 (MANE Select); coding-DNA position 707, G replaced by A.
Protein change: p.Arg236Gln; replaces arginine 236 with glutamine.
Molecular consequence: missense variant.
Genome position (GRCh38, 1-based): chrX:101,360,637, C>T on the plus strand (G>A on the coding strand, the complement: BTK is on the minus strand). VCF-style: chrX-101360637-C-T. GRCh37 (hg19) VCF-style: chrX-100615625-C-T.
Other names: c.809G>A, p.Arg270Gln (NM_001287344.2); c.707G>A, p.Arg236Gln (NM_001287345.2); short protein forms R236Q, R270Q.
Identifiers: ClinVar variation 461817 (VCV000461817.12), dbSNP rs147036606, ClinGen allele CA10473132.

ClinVar aggregate classification (germline): Benign/Likely benign. Review status: criteria provided, multiple submitters, no conflicts (2 of 4 stars). 3 submissions from 3 submitters: Benign (2); Likely benign (1). Last evaluated 2026-01-28.

Conditions:
X-linked agammaglobulinemia with growth hormone deficiency (IGHD3). Also called: AGAMMAGLOBULINEMIA AND ISOLATED GROWTH HORMONE DEFICIENCY, X-LINKED; FLEISHER SYNDROME; HYPOGAMMAGLOBULINEMIA AND ISOLATED GROWTH HORMONE DEFICIENCY, X-LINKED; IGHD III; ISOLATED GROWTH HORMONE DEFICIENCY, TYPE III, WITH AGAMMAGLOBULINEMIA; Isolated growth hormone deficiency type 3. Identifiers: Orphanet 231692, Orphanet 631, MedGen C0472813, MONDO:0010615, OMIM 307200.

Allele frequency attached by ClinVar (database versions not stated): gnomAD exomes 0.00005 and 0.00009; ExAC 0.00008; 1000 Genomes Project 30x 0.00021; 1000 Genomes Project 0.00026; gnomAD 0.00032 and 0.00036; TOPMed 0.00043; ESP Exome Variant Server 0.00047.
gnomAD v4.1: 98 of 1,209,763 alleles (0.0081%); highest among the groups gnomAD compares: African/African-American, 0.15%; no homozygotes.

Submissions (3):

Labcorp Genetics (formerly Invitae), Labcorp
Classification: Benign for X-linked agammaglobulinemia with growth hormone deficiency. Last evaluated: 2026-01-28. Review status: criteria provided, single submitter. Criteria: Invitae Variant Classification Sherloc (09022015). Collection method: clinical testing. Allele origin: germline.

Women's Health and Genetics/Laboratory Corporation of America, LabCorp
Classification: Likely benign. Last evaluated: 2025-04-23. Review status: criteria provided, single submitter. Criteria: LabCorp Variant Classification Summary - May 2015. Collection method: clinical testing. Allele origin: germline.
Comment: Variant summary: BTK c.707G>A (p.Arg236Gln) results in a conservative amino acid change in the encoded protein sequence. Four of five in-silico tools predict a benign effect of the variant on protein function. The variant allele was found at a frequency of 8.1e-05 in 1209763 control chromosomes, predominantly at a frequency of 0.0015 within the African or African-American subpopulation in the gnomAD database. This includes multiple hemizygous males, suggesting that the variant is a benign polymorphism. To our knowledge, no occurrence of c.707G>A in individuals affected with X-Linked Agammaglobulinemia and no experimental evidence demonstrating its impact on protein function have been reported. ClinVar contains an entry for this variant (Variation ID: 461817). Based on the evidence outlined above, the variant was classified as likely benign.

Breakthrough Genomics
Classification: Benign. Review status: criteria provided, single submitter. Criteria: ACMG Guidelines, 2015. Collection method: not provided. Allele origin: germline. Inheritance: X-linked inheritance. Affected: yes.